The following is an entry in ClinVar:

ClinVar aggregate classification (germline): Likely benign (0 of 4 stars; one submission).

Conditions:
SEMA3B-related disorder. Also called: SEMA3B-related condition.

gnomAD v4.1: 34 of 1,595,156 alleles (0.0021%); highest among the groups gnomAD compares: Non-Finnish European, 0.0029%; no homozygotes.

Submission:

PreventionGenetics, part of Exact Sciences
Classification: Likely benign for SEMA3B-related condition. Last evaluated: 2022-01-26. Review status: no assertion criteria provided. Collection method: clinical testing. Allele origin: germline.
Comment: This variant is classified as likely benign based on ACMG/AMP sequence variant interpretation guidelines (Richards et al. 2015 PMID: 25741868, with internal and published modifications).

NM_001290060.2(SEMA3B):c.993-8G>C

Gene: SEMA3B (semaphorin 3B; plus strand). Cytogenetic location: 3p21.31.
Variant type: single nucleotide variant.
Coding change: c.993-8G>C on transcript NM_001290060.2 (MANE Select); 8 bases into the intron before coding-DNA position 993, G replaced by C.
Molecular consequence: intron variant.
Genome position (GRCh38, 1-based): chr3:50,273,905, G>C. VCF-style: chr3-50273905-G-C. GRCh37 (hg19) VCF-style: chr3-50311336-G-C.
Other names: c.993-8G>C (NM_004636.4); c.993-11G>C (NM_001005914.3); c.1008-8G>C (NM_001290061.1); c.-34-11G>C (NM_001290062.2); c.-37-8G>C (NM_001290063.2).
Identifiers: ClinVar variation 3355406 (VCV003355406.1).